The following is an entry in ClinVar:

ClinVar aggregate classification (germline): Uncertain significance (1 of 4 stars; one submission).

gnomAD v4.1: 11 of 1,614,266 alleles (0.00068%); highest among the groups gnomAD compares: Non-Finnish European, 0.00093%; no homozygotes.

Submission:

Labcorp Genetics (formerly Invitae), Labcorp
Classification: Uncertain significance. Last evaluated: 2025-05-27. Review status: criteria provided, single submitter. Criteria: Invitae Variant Classification Sherloc (09022015). Collection method: clinical testing. Allele origin: germline.
Comment: This sequence change replaces lysine, which is basic and polar, with glutamic acid, which is acidic and polar, at codon 241 of the ANKZF1 protein (p.Lys241Glu). This variant is not present in population databases (gnomAD no frequency). This variant has not been reported in the literature in individuals affected with ANKZF1-related conditions. An algorithm developed to predict the effect of missense changes on protein structure and function (PolyPhen-2) suggests that this variant is likely to be disruptive. In summary, the available evidence is currently insufficient to determine the role of this variant in disease. Therefore, it has been classified as a Variant of Uncertain Significance.

NM_018089.3(ANKZF1):c.721A>G (p.Lys241Glu)

Gene: ANKZF1 (ankyrin repeat and zinc finger peptidyl tRNA hydrolase 1; plus strand). Cytogenetic location: 2q35.
Variant type: single nucleotide variant.
Coding change: c.721A>G on transcript NM_018089.3 (MANE Select); coding-DNA position 721, A replaced by G.
Protein change: p.Lys241Glu; replaces lysine 241 with glutamic acid.
Molecular consequence: missense variant.
Genome position (GRCh38, 1-based): chr2:219,233,335, A>G. VCF-style: chr2-219233335-A-G. GRCh37 (hg19) VCF-style: chr2-220098057-A-G.
Other names: c.721A>G, p.Lys241Glu (NM_001042410.2); c.91A>G, p.Lys31Glu (NM_001282792.2); short protein forms K241E, K31E.
Identifiers: ClinVar variation 4779728 (VCV004779728.1).